The following is an entry in ClinVar:

NM_007294.4(BRCA1):c.5061T>C (p.Val1687=)

Gene: BRCA1 (BRCA1 DNA repair associated; minus strand). Cytogenetic location: 17q21.31.
Variant type: single nucleotide variant.
Coding change: c.5061T>C on transcript NM_007294.4 (MANE Select); coding-DNA position 5061, T replaced by C.
Protein change: p.Val1687=; no amino-acid change (valine 1687 retained).
Molecular consequence: synonymous variant. On other transcripts: intron variant (1).
Genome position (GRCh38, 1-based): chr17:43,067,621, A>G on the plus strand (T>C on the coding strand, the complement: BRCA1 is on the minus strand). VCF-style: chr17-43067621-A-G. GRCh37 (hg19) VCF-style: chr17-41219638-A-G.
Other names: c.4851T>C, p.Val1617= (NM_001407889.1, NM_001407879.1, NM_001407881.1 and 5 more transcripts); c.4848T>C, p.Val1616= (NM_001407894.1, NM_001407895.1, NM_001407896.1 and 12 more transcripts); c.4845T>C, p.Val1615= (NM_001407915.1, NM_001407916.1, NM_001407917.1 and 1 more transcripts); c.4938T>C, p.Val1646= (NM_001407919.1, NM_001407937.1, NM_001407938.1 and 6 more transcripts); c.4797T>C, p.Val1599= (NM_001407920.1, NM_001407921.1, NM_001407922.1 and 4 more transcripts); c.4794T>C, p.Val1598= (NM_001407927.1, NM_001407928.1, NM_001407929.1 and 4 more transcripts); c.4791T>C, p.Val1597= (NM_001407934.1, NM_001407935.1, NM_001407936.1); c.4935T>C, p.Val1645= (NM_001407939.1, NM_001407940.1, NM_001407670.1 and 11 more transcripts); and 71 more.
Identifiers: ClinVar variation 491095 (VCV000491095.6), dbSNP rs1555579625, ClinGen allele CA500146310.

ClinVar aggregate classification (germline): Likely benign (1 of 4 stars; one submission).

Conditions:
Hereditary cancer-predisposing syndrome. Also called: Tumor predisposition; Hereditary Cancer Syndrome; Hereditary neoplastic syndrome; Neoplastic Syndromes, Hereditary. Identifiers: Orphanet 140162, MedGen C0027672, MeSH D009386, MONDO:0015356.

Submissions (2):

Color Diagnostics, LLC DBA Color Health
Classification: Likely benign for Hereditary cancer-predisposing syndrome. Last evaluated: 2017-08-14. Review status: criteria provided, single submitter. Criteria: ACMG Guidelines, 2015. Collection method: clinical testing. Allele origin: germline.

Brotman Baty Institute, University of Washington
No classification provided (evidence only). Condition: Breast-ovarian cancer, familial 1. Review status: no classification provided. Collection method: in vitro. Allele origin: not applicable. Functional consequence: functionally_normal. Not counted in ClinVar's aggregate classification.
ClinVar note: "not provided" was previously submitted as the classification for the variant. However, the classification appeared to be based only on an observation of functional data so it was converted to no classification on 2025-07-30.